The following is an entry in ClinVar:

ClinVar aggregate classification (germline): Likely pathogenic. Review status: criteria provided, multiple submitters, no conflicts (2 of 4 stars). 3 submissions from 3 submitters: Likely pathogenic (3). Last evaluated 2026-08-19.

Conditions:
Cardiovascular phenotype. Identifiers: MedGen CN230736.
Dilated cardiomyopathy 1G (CMD1G). Identifiers: Orphanet 154, MedGen C1858763, MONDO:0011400, OMIM 604145.
Autosomal recessive limb-girdle muscular dystrophy type 2J (LGMDR10). Also called: Limb-girdle muscular dystrophy, type 2J; MUSCULAR DYSTROPHY, LIMB-GIRDLE, AUTOSOMAL RECESSIVE 10. Identifiers: Orphanet 140922, MedGen C1837342, MONDO:0012127, OMIM 608807.

Allele frequency attached by ClinVar (database versions not stated): TOPMed 0.00001; gnomAD 0.00001; gnomAD exomes below 0.00001.
gnomAD v4.1: 2 of 1,612,982 alleles (0.00012%); highest among the groups gnomAD compares: Admixed American, 0.0033%; no homozygotes.

Submissions (3):

Ambry Genetics
Classification: Likely pathogenic for Cardiovascular phenotype. Last evaluated: 2026-08-19. Review status: criteria provided, single submitter. Criteria: Ambry Variant Classification Scheme 2023. Collection method: clinical testing. Allele origin: germline.
Comment: The p.Q15519* variant (also known as c.46555C>T), located in coding exon 153 of the TTN gene, results from a C to T substitution at nucleotide position 46555. This changes the amino acid from a glutamine to a stop codon within coding exon 153. This exon is located in the A-band region of the N2-B isoform of the titin protein and is constitutively expressed in TTN transcripts (percent spliced in or PSI 100%). This variant is expected to result in loss of function by premature protein truncation or nonsense-mediated mRNA decay. While truncating variants in TTN are present in 1-3% of the general population, truncating variants in the A-band are the most common cause of dilated cardiomyopathy (Herman DS et al. N. Engl. J. Med., 2012 Feb;366:619-28; Roberts AM et al. Sci Transl Med, 2015 Jan;7:270ra6). TTN truncating variants encoded in constitutive exons (PSI >90%) have been found to be significantly associated with DCM regardless of their position in titin (Schafer S et al. Nat. Genet., 2017 01;49:46-53; Akhtar MM et al. Circ Heart Fail, 2020 Oct;13:e006832; Massier M et al. Clin Genet, 2025 Jan). This variant is considered to be rare based on population cohorts in the Genome Aggregation Database (gnomAD). Based on the majority of available evidence to date, this variant is likely to be pathogenic.

GeneDx
Classification: Likely pathogenic. Last evaluated: 2023-02-02. Review status: criteria provided, single submitter. Criteria: GeneDx Variant Classification Process June 2021. Collection method: clinical testing. Allele origin: germline. Affected: yes.
Comment: Nonsense variant predicted to result in protein truncation or nonsense mediated decay in a gene for which loss of function is a known mechanism of disease; Located in the A-band region of TTN in which the majority of loss of function variants have been associated with autosomal dominant titinopathies (Herman et al., 2012); Not observed at significant frequency in large population cohorts (gnomAD); Has not been previously published as pathogenic or benign to our knowledge; This variant is associated with the following publications: (PMID: 22335739)

Labcorp Genetics (formerly Invitae), Labcorp
Classification: Likely pathogenic for Dilated cardiomyopathy 1G; Autosomal recessive limb-girdle muscular dystrophy type 2J. Last evaluated: 2023-01-17. Review status: criteria provided, single submitter. Criteria: Invitae Variant Classification Sherloc (09022015). Collection method: clinical testing. Allele origin: germline.
Comment: This variant is not present in population databases (gnomAD no frequency). This sequence change creates a premature translational stop signal (p.Gln24584*) in the TTN gene. While this is not anticipated to result in nonsense mediated decay, it is expected to create a truncated TTN protein. This variant has not been reported in the literature in individuals affected with TTN-related conditions. In summary, the currently available evidence indicates that the variant is pathogenic, but additional data are needed to prove that conclusively. Therefore, this variant has been classified as Likely Pathogenic. This variant is located in the A band of TTN (PMID: 25589632). Truncating variants in this region are significantly overrepresented in patients affected with dilated cardiomyopathy (PMID: 25589632). Truncating variants in this region have also been reported in individuals affected with autosomal recessive centronuclear myopathy (PMID: 23975875).

Literature cited by the submitters: PubMed 25589632 (cited by Labcorp Genetics (formerly Invitae), Labcorp); PubMed 23975875 (cited by Labcorp Genetics (formerly Invitae), Labcorp).

NM_001267550.2(TTN):c.73750C>T (p.Gln24584Ter)

Genes: TTN (titin; minus strand), TTN-AS1 (TTN antisense RNA 1; plus strand). Cytogenetic location: 2q31.2.
Variant type: single nucleotide variant.
Coding change: c.73750C>T on transcript NM_001267550.2 (MANE Select); coding-DNA position 73750, C replaced by T.
Protein change: p.Gln24584Ter; replaces glutamine 24584 with a stop codon.
Molecular consequence: nonsense.
Genome position (GRCh38, 1-based): chr2:178,572,382, G>A on the plus strand (C>T on the coding strand, the complement: TTN is on the minus strand). VCF-style: chr2-178572382-G-A. GRCh37 (hg19) VCF-style: chr2-179437109-G-A.
Other names: c.68827C>T, p.Gln22943Ter (NM_001256850.1); c.46555C>T, p.Gln15519Ter (NM_003319.4); c.66046C>T, p.Gln22016Ter (NM_133378.4); c.46930C>T, p.Gln15644Ter (NM_133432.3); c.47131C>T, p.Gln15711Ter (NM_133437.4); short protein forms Q15519*, Q15644*, Q15711*, Q22016*, Q22943*, Q24584*.
Identifiers: ClinVar variation 2575031 (VCV002575031.5), dbSNP rs1708542756, ClinGen allele CA349637178.